The following is an entry in ClinVar:

NM_024577.4(SH3TC2):c.*6242A>G

Gene: SH3TC2 (SH3 domain and tetratricopeptide repeats 2; minus strand). Cytogenetic location: 5q32.
Variant type: single nucleotide variant.
Coding change: c.*6242A>G on transcript NM_024577.4 (MANE Select); 6242 bases downstream of the stop codon, A replaced by G.
Molecular consequence: 3 prime UTR variant.
Genome position (GRCh38, 1-based): chr5:148,998,469, T>C on the plus strand (A>G on the coding strand, the complement: SH3TC2 is on the minus strand). VCF-style: chr5-148998469-T-C. GRCh37 (hg19) VCF-style: chr5-148378032-T-C.
Identifiers: ClinVar variation 351794 (VCV000351794.6), dbSNP rs142279453, ClinGen allele CA10623291.

ClinVar aggregate classification (germline): Benign/Likely benign. Review status: criteria provided, multiple submitters, no conflicts (2 of 4 stars). 3 submissions from 2 submitters: Benign (2); Likely benign (1). Last evaluated 2021-10-18.

Conditions:
Susceptibility to mononeuropathy of the median nerve, mild. Also called: CARPAL TUNNEL SYNDROME, SUSCEPTIBILITY TO. Identifiers: MedGen C3150596, MONDO:0013237, OMIM 613353.
Charcot-Marie-Tooth disease type 4C (CMT4C). Also called: CHARCOT-MARIE-TOOTH DISEASE, DEMYELINATING, AUTOSOMAL RECESSIVE, TYPE 4C; CMT 4C; Charcot-Marie-Tooth Neuropathy Type 4C (CMT4C); CHARCOT-MARIE-TOOTH DISEASE, DEMYELINATING, TYPE 4C; SH3TC2-Related Hereditary Motor and Sensory Neuropathy. Identifiers: Orphanet 99949, MedGen C1866636, MONDO:0011113, OMIM 601596.

Allele frequency attached by ClinVar (database versions not stated): 1000 Genomes Project 0.00459; 1000 Genomes Project 30x 0.00515; gnomAD 0.00821 and 0.00889; TOPMed 0.01010.

Submissions (3):

GeneDx
Classification: Likely benign. Last evaluated: 2021-10-18. Review status: criteria provided, single submitter. Criteria: GeneDx Variant Classification Process June 2021. Collection method: clinical testing. Allele origin: germline. Affected: yes.

Illumina Laboratory Services, Illumina
Classification: Benign for Susceptibility to mononeuropathy of the median nerve, mild. Last evaluated: 2018-01-12. Review status: criteria provided, single submitter. Criteria: ICSL Variant Classification Criteria 13 December 2019. Collection method: clinical testing. Allele origin: germline.
Comment: This variant was observed in the ICSL laboratory as part of a predisposition screen in an ostensibly healthy population. It had not been previously curated by ICSL or reported in the Human Gene Mutation Database (HGMD: prior to June 1st, 2018), and was therefore a candidate for classification through an automated scoring system. Utilizing variant allele frequency, disease prevalence and penetrance estimates, and inheritance mode, an automated score was calculated to assess if this variant is too frequent to cause the disease. Based on the score and internal cut-off values, a variant classified as benign is not then subjected to further curation. The score for this variant resulted in a classification of benign for this disease.

Illumina Laboratory Services, Illumina
Classification: Benign for Charcot-Marie-Tooth disease type 4C. Last evaluated: 2018-01-12. Review status: criteria provided, single submitter. Criteria: ICSL Variant Classification Criteria 13 December 2019. Collection method: clinical testing. Allele origin: germline.
Comment: the same text as in the submission from Illumina Laboratory Services, Illumina above.